The following is an entry in ClinVar:

NM_000138.5(FBN1):c.5441A>G (p.Asn1814Ser)

Gene: FBN1 (fibrillin 1; minus strand). Cytogenetic location: 15q21.1.
Variant type: single nucleotide variant.
Coding change: c.5441A>G on transcript NM_000138.5 (MANE Select); coding-DNA position 5441, A replaced by G.
Protein change: p.Asn1814Ser; replaces asparagine 1814 with serine.
Molecular consequence: missense variant.
Genome position (GRCh38, 1-based): chr15:48,452,666, T>C on the plus strand (A>G on the coding strand, the complement: FBN1 is on the minus strand). VCF-style: chr15-48452666-T-C. GRCh37 (hg19) VCF-style: chr15-48744863-T-C.
Other names: short protein forms N1814S.
Identifiers: ClinVar variation 527197 (VCV000527197.16), dbSNP rs775463311, ClinGen allele CA054988.

ClinVar aggregate classification (germline): Conflicting classifications of pathogenicity. Review status: criteria provided, conflicting classifications (1 of 4 stars). 5 submissions from 5 submitters: Uncertain significance (4); Likely benign (1). Last evaluated 2026-07-19.

Conditions:
Marfan syndrome (MFS). Also called: FBN1-Related Marfan Syndrome; Marfan's syndrome; MARFAN SYNDROME, TYPE I; Marfan syndrome, classic; Marfan syndrome type 1. Identifiers: Orphanet 284963, Orphanet 558, MedGen C0024796, MONDO:0007947, OMIM 154700.
Familial thoracic aortic aneurysm and aortic dissection (TAAD). Also called: Thoracic aortic aneurysms and dissections. Identifiers: Orphanet 91387, MedGen C4707243, MONDO:0019625.

Allele frequency attached by ClinVar (database versions not stated): gnomAD exomes 0.00001; ExAC 0.00002; TOPMed 0.00002.
gnomAD v4.1: 11 of 1,614,198 alleles (0.00068%); highest among the groups gnomAD compares: South Asian, 0.0022%; no homozygotes.

Submissions (5):

Ambry Genetics
Classification: Uncertain significance for Familial thoracic aortic aneurysm and aortic dissection. Last evaluated: 2026-07-19. Review status: criteria provided, single submitter. Criteria: Ambry Variant Classification Scheme 2023. Collection method: clinical testing. Allele origin: germline.

Labcorp Genetics (formerly Invitae), Labcorp
Classification: Likely benign for Marfan syndrome; Familial thoracic aortic aneurysm and aortic dissection. Last evaluated: 2025-05-13. Review status: criteria provided, single submitter. Criteria: Invitae Variant Classification Sherloc (09022015). Collection method: clinical testing. Allele origin: germline.

All of Us Research Program, National Institutes of Health
Classification: Uncertain significance for Marfan syndrome. Last evaluated: 2023-12-13. Review status: criteria provided, single submitter. Criteria: ACMG Guidelines, 2015. Collection method: clinical testing. Allele origin: germline. Inheritance: Autosomal dominant inheritance. Observed: 2 variant alleles, 2 heterozygotes.
Comment: This missense variant replaces asparagine with serine at codon 1814 of the FBN1 protein. Computational prediction suggests that this variant may not impact protein structure and function (internally defined REVEL score threshold <= 0.5, PMID: 27666373). To our knowledge, functional studies have not been reported for this variant. This variant has not been reported in individuals affected with cardiovascular disorders in the literature. This variant has been identified in 2/251208 chromosomes in the general population by the Genome Aggregation Database (gnomAD). The available evidence is insufficient to determine the role of this variant in disease conclusively. Therefore, this variant is classified as a Variant of Uncertain Significance.

This study involves interpretation of variants in research participants for the purpose of population health screening. Participant phenotype was not available at the time of variant classification. Additional details can be found in publication PMID: 35346344, PMCID: PMC8962531

GeneDx
Classification: Uncertain significance. Last evaluated: 2023-11-20. Review status: criteria provided, single submitter. Criteria: GeneDx Variant Classification Process June 2021. Collection method: clinical testing. Allele origin: germline. Affected: yes.
Comment: Has not been previously published as pathogenic or benign to our knowledge; Not observed at significant frequency in large population cohorts (gnomAD); In silico analysis supports that this missense variant does not alter protein structure/function; Although located in a calcium-binding EGF-like domain of the FBN1 gene, it does not affect a cysteine residue within this domain; cysteine substitutions in the calcium-binding EGF-like domains represent the majority of pathogenic missense changes associated with FBN1-related disorders (PMID: 12938084); This variant is associated with the following publications: (PMID: 12938084)

Color Diagnostics, LLC DBA Color Health
Classification: Uncertain significance for Familial thoracic aortic aneurysm and aortic dissection. Last evaluated: 2023-09-07. Review status: criteria provided, single submitter. Criteria: ACMG Guidelines, 2015. Collection method: clinical testing. Allele origin: germline.
Comment: This missense variant replaces asparagine with serine at codon 1814 of the FBN1 protein. Computational prediction suggests that this variant may not impact protein structure and function (internally defined REVEL score threshold <= 0.5, PMID: 27666373). To our knowledge, functional studies have not been reported for this variant. This variant has not been reported in individuals affected with FBN1-related disorders in the literature. This variant has been identified in 2/251208 chromosomes in the general population by the Genome Aggregation Database (gnomAD). The available evidence is insufficient to determine the role of this variant in disease conclusively. Therefore, this variant is classified as a Variant of Uncertain Significance.